The following is an entry in ClinVar:

ClinVar aggregate classification (germline): Uncertain significance. Review status: criteria provided, single submitter (1 of 4 stars). 2 submissions from 2 submitters: Uncertain significance (1). 1 of the submissions does not count toward it. Last evaluated 2024-02-01.

Conditions:
Autosomal recessive nonsyndromic hearing loss 4 (DFNB4). Also called: Enlarged vestibular aqueduct, digenic; FOXI1-Related Pendred Syndrome; KCNJ10-Related Pendred Syndrome; NEUROSENSORY NONSYNDROMIC RECESSIVE DEAFNESS 4; Deafness, autosomal recessive 4, with enlarged vestibular aqueduct; Deafness, autosomal recessive 4. Identifiers: Orphanet 90636, MedGen C3538946, MONDO:0010933, OMIM 600791.
Pendred syndrome (PDS). Also called: DEAFNESS WITH GOITER; GOITER-DEAFNESS SYNDROME; HYPOTHYROIDISM, CONGENITAL, DUE TO DYSHORMONOGENESIS, 2B; Pendred's syndrome; Pendred Syndrome (PDS); THYROID DYSHORMONOGENESIS 2B. Identifiers: Orphanet 705, MedGen C0271829, MONDO:0010134, OMIM 274600.

Allele frequency attached by ClinVar (database versions not stated): TOPMed below 0.00001; gnomAD 0.00001.
gnomAD v4.1: 2 of 1,592,888 alleles (0.00013%); highest among the groups gnomAD compares: Non-Finnish European, 0.00017%; no homozygotes.

Submissions (2):

Neuberg Centre For Genomic Medicine, NCGM
Classification: Uncertain significance for Autosomal recessive nonsyndromic hearing loss 4. Last evaluated: 2024-02-01. Review status: criteria provided, single submitter. Criteria: ACMG Guidelines, 2015. Collection method: clinical testing. Allele origin: germline. Inheritance: Autosomal recessive inheritance.
Comment: The observed missense variant c.1252G>A(p.Gly418Arg) in SLC26A4 gene has been reported previously in an individual with SLC26A4-related conditions (Soh LM, et al., 2015). This variant is classified as Uncertain Significance.

Counsyl
Classification: Uncertain significance for Pendred syndrome. Last evaluated: 2017-01-17. Review status: no assertion criteria provided. Collection method: clinical testing. Allele origin: unknown. Not counted in ClinVar's aggregate classification.

Literature cited by the submitters: PubMed 25394566 (cited by Counsyl).

NM_000441.2(SLC26A4):c.1252G>A (p.Gly418Arg)

Gene: SLC26A4 (solute carrier family 26 member 4; plus strand). Cytogenetic location: 7q22.3.
Variant type: single nucleotide variant.
Coding change: c.1252G>A on transcript NM_000441.2 (MANE Select); coding-DNA position 1252, G replaced by A.
Protein change: p.Gly418Arg; replaces glycine 418 with arginine.
Molecular consequence: missense variant.
Genome position (GRCh38, 1-based): chr7:107,690,226, G>A. VCF-style: chr7-107690226-G-A. GRCh37 (hg19) VCF-style: chr7-107330671-G-A.
Other names: short protein forms G418R.
Identifiers: ClinVar variation 550078 (VCV000550078.3), dbSNP rs1376210516, ClinGen allele CA368839315.